The following is an entry in ClinVar:

NM_001540.5(HSPB1):c.602A>G (p.Glu201Gly)

Gene: HSPB1 (heat shock protein family B (small) member 1; plus strand). Cytogenetic location: 7q11.23.
Variant type: single nucleotide variant.
Coding change: c.602A>G on transcript NM_001540.5 (MANE Select); coding-DNA position 602, A replaced by G.
Protein change: p.Glu201Gly; replaces glutamic acid 201 with glycine.
Molecular consequence: missense variant.
Genome position (GRCh38, 1-based): chr7:76,304,157, A>G. VCF-style: chr7-76304157-A-G. GRCh37 (hg19) VCF-style: chr7-75933474-A-G.
Other names: short protein forms E201G.
Identifiers: ClinVar variation 1986309 (VCV001986309.5), dbSNP rs374801083, ClinGen allele CA4306458.
Genomic context (GRCh38, chr7:76,304,157, plus strand): 5'-TCCCAGTCACCTTCGAGTCGCGGGCCCAGCTTGGGGGCCCAGAAGCTGCAAAATCCGATG[A>G]GACTGCCGCCAAGTAAAGCCTTAGCCCGGATGCCCACCCCTGCTGCCGCCACTGGCTGTG-3'
Protein context (NP_001531.1, residues 191-205): LGGPEAAKSD[Glu201Gly]TAAK

ClinVar aggregate classification (germline): Uncertain significance. Review status: criteria provided, multiple submitters, no conflicts (2 of 4 stars). 2 submissions from 2 submitters: Uncertain significance (2). Last evaluated 2023-05-13.

Conditions:
Inborn genetic diseases. Identifiers: MedGen C0950123, MeSH D030342.
Charcot-Marie-Tooth disease axonal type 2F (CMT2F). Also called: Charcot-Marie-Tooth Neuropathy Type 2F; CHARCOT-MARIE-TOOTH DISEASE, NEURONAL, TYPE 2F. Identifiers: Orphanet 99940, MedGen C1847823, MONDO:0011687, OMIM 606595.

Allele frequency attached by ClinVar (database versions not stated): ExAC 0.00002; TOPMed 0.00003; ESP Exome Variant Server 0.00008; gnomAD 0.00001.
gnomAD v4.1: 6 of 1,611,264 alleles (0.00037%); highest among the groups gnomAD compares: African/African-American, 0.004%; no homozygotes.

Submissions (2):

Labcorp Genetics (formerly Invitae), Labcorp
Classification: Uncertain significance for Charcot-Marie-Tooth disease axonal type 2F. Last evaluated: 2023-05-13. Review status: criteria provided, single submitter. Criteria: Invitae Variant Classification Sherloc (09022015). Collection method: clinical testing. Allele origin: germline.
Comment: In summary, the available evidence is currently insufficient to determine the role of this variant in disease. Therefore, it has been classified as a Variant of Uncertain Significance. Algorithms developed to predict the effect of missense changes on protein structure and function output the following: SIFT: "Not Available"; PolyPhen-2: "Benign"; Align-GVGD: "Not Available". The glycine amino acid residue is found in multiple mammalian species, which suggests that this missense change does not adversely affect protein function. ClinVar contains an entry for this variant (Variation ID: 1986309). This variant has not been reported in the literature in individuals affected with HSPB1-related conditions. This variant is present in population databases (rs374801083, gnomAD 0.007%). This sequence change replaces glutamic acid, which is acidic and polar, with glycine, which is neutral and non-polar, at codon 201 of the HSPB1 protein (p.Glu201Gly).

Ambry Genetics
Classification: Uncertain significance for Inborn genetic diseases. Last evaluated: 2021-08-09. Review status: criteria provided, single submitter. Criteria: Ambry Variant Classification Scheme 2023. Collection method: clinical testing. Allele origin: germline.